The following is an entry in ClinVar:

NM_153638.4(PANK2):c.69A>C (p.Leu23=)

Genes: PANK2 (pantothenate kinase 2; plus strand), PANK2-AS1 (PANK2 antisense RNA 1; minus strand). Cytogenetic location: 20p13.
Variant type: single nucleotide variant.
Coding change: c.69A>C on transcript NM_153638.4; coding-DNA position 69, A replaced by C.
Protein change: p.Leu23=; no amino-acid change (leucine 23 retained).
Molecular consequence: synonymous variant. On other transcripts: intron variant (1).
Genome position (GRCh38, 1-based): chr20:3,889,169, A>C. VCF-style: chr20-3889169-A-C. GRCh37 (hg19) VCF-style: chr20-3869816-A-C.
Other names: c.69A>C, p.Leu23= (NM_001324192.1); c.-246+265A>C (NM_024960.6).
Identifiers: ClinVar variation 2498880 (VCV002498880.25), dbSNP rs2090065432, ClinGen allele CA509428079.

ClinVar aggregate classification (germline): Likely benign (1 of 4 stars; one submission).

Submission:

CeGaT Center for Human Genetics Tuebingen
Classification: Likely benign. Last evaluated: 2025-03-01. Review status: criteria provided, single submitter. Criteria: CeGaT Center For Human Genetics Tuebingen Variant Classification Criteria Version 2. Collection method: clinical testing. Allele origin: germline. Affected: yes. Observed: 4 variant alleles.
Comment: PANK2: BP4, BP7